The following is an entry in ClinVar:

NM_022552.5(DNMT3A):c.1342_1343dup (p.Ala449fs)

Gene: DNMT3A (DNA methyltransferase 3 alpha; minus strand). Cytogenetic location: 2p23.3.
Variant type: Duplication.
Coding change: c.1342_1343dup on transcript NM_022552.5 (MANE Select); coding-DNA positions 1342 to 1343, 2 bases duplicated (TA; older notation c.1342_1343dupTA).
Protein change: p.Ala449fs; shifts the reading frame from alanine 449.
Molecular consequence: frameshift variant. On other transcripts: non-coding transcript variant (1).
Genome position (GRCh38, 1-based): chr2:25,246,246-25,246,247, TA duplicated on the plus strand (TA on the coding strand, the reverse complement: DNMT3A is on the minus strand). VCF-style (leftmost placement, unchanged base first): chr2-25246245-G-GTA. GRCh37 (hg19) VCF-style: chr2-25469114-G-GTA.
Other names: c.886_887dup, p.Ala297fs (NM_001320893.1); c.673_674dup, p.Ala226fs (NM_001375819.1); c.775_776dup, p.Ala260fs (NM_153759.3); c.1342_1343dup, p.Ala449fs (NM_175629.2); short protein forms A260fs, A449fs, A226fs, A297fs.
Identifiers: ClinVar variation 2073362 (VCV002073362.4), dbSNP rs2465522454, ClinGen allele CA2580066131.

ClinVar aggregate classification (germline): Pathogenic (1 of 4 stars; one submission).

Conditions:
Tatton-Brown-Rahman overgrowth syndrome. Also called: Tall stature-intellectual disability-facial dysmorphism syndrome; Tatton-Brown-Rahman syndrome. Identifiers: Orphanet 404443, MedGen C4014545, MONDO:0014382, OMIM 615879.

Submission:

Labcorp Genetics (formerly Invitae), Labcorp
Classification: Pathogenic for Tatton-Brown-Rahman overgrowth syndrome. Last evaluated: 2022-11-22. Review status: criteria provided, single submitter. Criteria: Invitae Variant Classification Sherloc (09022015). Collection method: clinical testing. Allele origin: germline.
Comment: For these reasons, this variant has been classified as Pathogenic. This variant has not been reported in the literature in individuals affected with DNMT3A-related conditions. This variant is not present in population databases (gnomAD no frequency). This sequence change creates a premature translational stop signal (p.Ala449Thrfs*203) in the DNMT3A gene. It is expected to result in an absent or disrupted protein product. Loss-of-function variants in DNMT3A are known to be pathogenic (PMID: 24614070).

Literature cited by the submitters: PubMed 24614070.